The following is an entry in ClinVar:

NM_000440.3(PDE6A):c.*2110A>G

Gene: PDE6A (phosphodiesterase 6A; minus strand). Cytogenetic location: 5q32.
Variant type: single nucleotide variant.
Coding change: c.*2110A>G on transcript NM_000440.3 (MANE Select); 2110 bases downstream of the stop codon, A replaced by G.
Molecular consequence: 3 prime UTR variant.
Genome position (GRCh38, 1-based): chr5:149,858,785, T>C on the plus strand (A>G on the coding strand, the complement: PDE6A is on the minus strand). VCF-style: chr5-149858785-T-C. GRCh37 (hg19) VCF-style: chr5-149238348-T-C.
Identifiers: ClinVar variation 351948 (VCV000351948.5), dbSNP rs759816, ClinGen allele CA10620791.

ClinVar aggregate classification (germline): Benign (1 of 4 stars; one submission).

Conditions:
Retinitis pigmentosa (RP). Identifiers: Orphanet 791, MedGen C0035334, MeSH D012174, MONDO:0019200, OMIM 268000. Inheritance: Autosomal dominant, autosomal recessive and X linked inheritance.

Allele frequency attached by ClinVar (database versions not stated): gnomAD exomes 0.45349; 1000 Genomes Project 0.53914; 1000 Genomes Project 30x 0.54482; TOPMed 0.58869; gnomAD 0.59199.
gnomAD v4.1: 84,782 of 145,368 alleles (58%); highest among the groups gnomAD compares: African/African-American, 65%; 25,012 homozygotes.

Submission:

Illumina Laboratory Services, Illumina
Classification: Benign for Retinitis pigmentosa. Last evaluated: 2018-01-12. Review status: criteria provided, single submitter. Criteria: ICSL Variant Classification Criteria 13 December 2019. Collection method: clinical testing. Allele origin: germline.
Comment: This variant was observed in the ICSL laboratory as part of a predisposition screen in an ostensibly healthy population. It had not been previously curated by ICSL or reported in the Human Gene Mutation Database (HGMD: prior to June 1st, 2018), and was therefore a candidate for classification through an automated scoring system. Utilizing variant allele frequency, disease prevalence and penetrance estimates, and inheritance mode, an automated score was calculated to assess if this variant is too frequent to cause the disease. Based on the score and internal cut-off values, a variant classified as benign is not then subjected to further curation. The score for this variant resulted in a classification of benign for this disease.